The following is an entry in ClinVar:

NM_003072.5(SMARCA4):c.1742_1745del (p.Lys581fs)

Gene: SMARCA4 (SWI/SNF related BAF chromatin remodeling complex subunit ATPase 4; plus strand). Cytogenetic location: 19p13.2.
Variant type: Deletion.
Coding change: c.1742_1745del on transcript NM_003072.5 (MANE Select); coding-DNA positions 1742 to 1745, 4 bases deleted (AGAA; older notation c.1742_1745delAGAA).
Protein change: p.Lys581fs; shifts the reading frame from lysine 581.
Molecular consequence: frameshift variant. On other transcripts: non-coding transcript variant (1).
Genome position (GRCh38, 1-based): chr19:10,996,361-10,996,364, AGAA deleted; deleting any 4 consecutive bases within chr19:10,996,359-10,996,364 gives the same sequence; the c. name uses the placement nearest the transcript's 3' end. VCF-style (leftmost placement, unchanged base first): chr19-10996358-AAAAG-A. GRCh37 (hg19) VCF-style: chr19-11107034-AAAAG-A.
Other names: c.1742_1745del, p.Lys581fs (NM_001128844.3, NM_001128845.2, NM_001128846.2 and 6 more transcripts); short protein forms K581fs.
Identifiers: ClinVar variation 3726964 (VCV003726964.2).

ClinVar aggregate classification (germline): Pathogenic (1 of 4 stars; one submission).

Conditions:
Rhabdoid tumor predisposition syndrome 2 (RTPS2). Identifiers: Orphanet 231108, Orphanet 69077, MedGen C2750074, MONDO:0013224, OMIM 613325.

Submission:

Labcorp Genetics (formerly Invitae), Labcorp
Classification: Pathogenic for Rhabdoid tumor predisposition syndrome 2. Last evaluated: 2024-12-10. Review status: criteria provided, single submitter. Criteria: Invitae Variant Classification Sherloc (09022015). Collection method: clinical testing. Allele origin: germline.
Comment: This sequence change creates a premature translational stop signal (p.Lys581Argfs*31) in the SMARCA4 gene. It is expected to result in an absent or disrupted protein product. Loss-of-function variants in SMARCA4 are known to be pathogenic (PMID: 24658001, 24658002). This variant is not present in population databases (gnomAD no frequency). This variant has not been reported in the literature in individuals affected with SMARCA4-related conditions. For these reasons, this variant has been classified as Pathogenic.

Literature cited by the submitters: PubMed 24658001; PubMed 24658002.